The following is an entry in ClinVar:

NM_000303.3(PMM2):c.329T>G (p.Ile110Ser)

Gene: PMM2 (phosphomannomutase 2; plus strand). Cytogenetic location: 16p13.2.
Variant type: single nucleotide variant.
Coding change: c.329T>G on transcript NM_000303.3 (MANE Select); coding-DNA position 329, T replaced by G.
Protein change: p.Ile110Ser; replaces isoleucine 110 with serine.
Molecular consequence: missense variant.
Genome position (GRCh38, 1-based): chr16:8,806,389, T>G. VCF-style: chr16-8806389-T-G. GRCh37 (hg19) VCF-style: chr16-8900246-T-G.
Other names: short protein forms I110S.
Identifiers: ClinVar variation 1700004 (VCV001700004.2), dbSNP rs2141020030, ClinGen allele CA394696317.

ClinVar aggregate classification (germline): Uncertain significance (1 of 4 stars; one submission).

Conditions:
PMM2-congenital disorder of glycosylation. Also called: PMM2-CDG; Congenital disorder of glycosylation, type Ia; PHOSPHOMANNOMUTASE 2 DEFICIENCY; CARBOHYDRATE-DEFICIENT GLYCOPROTEIN SYNDROME, TYPE Ia; CDG Ia; JAEKEN SYNDROME. Identifiers: Orphanet 79318, MedGen C0349653, MONDO:0008907, OMIM 212065.

Submission:

Morava/Kozicz Lab, Department of Clinical Genomics, Mayo Clinic
Classification: Uncertain significance for PMM2-congenital disorder of glycosylation. Last evaluated: 2022-06-29. Review status: criteria provided, single submitter. Criteria: ACMG Guidelines, 2015. Collection method: clinical testing. Allele origin: inherited. Inheritance: Autosomal recessive inheritance. Affected: yes.
Comment: This variant is not reported in gnomAD.